The following is an entry in ClinVar:

NM_031844.3(HNRNPU):c.541A>G (p.Lys181Glu)

Gene: HNRNPU (heterogeneous nuclear ribonucleoprotein U; minus strand). Cytogenetic location: 1q44.
Variant type: single nucleotide variant.
Coding change: c.541A>G on transcript NM_031844.3 (MANE Select); coding-DNA position 541, A replaced by G.
Protein change: p.Lys181Glu; replaces lysine 181 with glutamic acid.
Molecular consequence: missense variant.
Genome position (GRCh38, 1-based): chr1:244,863,767, T>C on the plus strand (A>G on the coding strand, the complement: HNRNPU is on the minus strand). VCF-style: chr1-244863767-T-C. GRCh37 (hg19) VCF-style: chr1-245027069-T-C.
Other names: c.541A>G, p.Lys181Glu (NM_004501.3); short protein forms K181E.
Identifiers: ClinVar variation 1031468 (VCV001031468.1), dbSNP rs1680922737, ClinGen allele CA345496637.
Genomic context (GRCh38, chr1:244,863,767, plus strand): 5'-GCGGCGCCACCGTCACCGCGAACAGCGAGGTGGGGCCGCTGCTCTTCCCCGCGGCCTCCT[T>C]GGCGGCCCCGCGCTGCTGTTGGGGCTGTTGCTGCTGCGTCGCCGGCGGTTGAGGCTGCTG-3'
Protein context (NP_114032.2, residues 171-191): QQPQQQRGAA[Lys181Glu]EAAGKSSGPT

ClinVar aggregate classification (germline): Uncertain significance (1 of 4 stars; one submission).

Conditions:
Developmental and epileptic encephalopathy, 54. Also called: HNRNPU-Related Neurodevelopmental Disorder; Epileptic encephalopathy, early infantile, 54. Identifiers: MedGen C4479319, MONDO:0033363, OMIM 617391.

Allele frequency attached by ClinVar (database versions not stated): gnomAD exomes below 0.00001.
gnomAD v4.1: 2 of 1,590,344 alleles (0.00013%); highest among the groups gnomAD compares: Non-Finnish European, 0.00017%; no homozygotes.

Submission:

Baylor Genetics
Classification: Uncertain significance for Developmental and epileptic encephalopathy, 54. Last evaluated: 2018-03-01. Review status: criteria provided, single submitter. Criteria: ACMG Guidelines, 2015. Collection method: clinical testing. Allele origin: unknown. Affected: yes.
Comment: This variant was determined to be of uncertain significance according to ACMG Guidelines, 2015 [PMID:25741868].